The following is an entry in ClinVar:

NM_006005.3(WFS1):c.2009G>A (p.Gly670Asp)

Gene: WFS1 (wolframin ER transmembrane glycoprotein; plus strand). Cytogenetic location: 4p16.1.
Variant type: single nucleotide variant.
Coding change: c.2009G>A on transcript NM_006005.3 (MANE Select); coding-DNA position 2009, G replaced by A.
Protein change: p.Gly670Asp; replaces glycine 670 with aspartic acid.
Molecular consequence: missense variant.
Genome position (GRCh38, 1-based): chr4:6,301,804, G>A. VCF-style: chr4-6301804-G-A. GRCh37 (hg19) VCF-style: chr4-6303531-G-A.
Other names: c.2009G>A, p.Gly670Asp (NM_001145853.1); short protein forms G670D.
Identifiers: ClinVar variation 3590728 (VCV003590728.2).

ClinVar aggregate classification (germline): Uncertain significance. Review status: criteria provided, multiple submitters, no conflicts (2 of 4 stars). 2 submissions from 2 submitters: Uncertain significance (2). Last evaluated 2026-04-23.

Conditions:
Autosomal dominant nonsyndromic hearing loss 6 (LFSNHL). Also called: DEAFNESS, AUTOSOMAL DOMINANT 6; DEAFNESS, AUTOSOMAL DOMINANT 14; DEAFNESS, AUTOSOMAL DOMINANT 38; Autosomal dominant nonsyndromic deafness 6. Identifiers: Orphanet 90635, MedGen C1833021, MONDO:0010963, OMIM 600965.
Wolfram-like syndrome. Also called: HEARING LOSS, PROGRESSIVE, WITH OPTIC ATROPHY AND/OR IMPAIRED GLUCOSE REGULATION. Identifiers: Orphanet 411590, MedGen C3280358, MONDO:0013673, OMIM 614296.
Cataract 41 (CTRCT41). Also called: CATARACT 41, CONGENITAL NUCLEAR TYPE. Identifiers: Orphanet 91492, Orphanet 98991, Orphanet 98992, Orphanet 98995, MedGen C3805412, MONDO:0007287, OMIM 116400.
Type 2 diabetes mellitus. Also called: Type II diabetes mellitus. Identifiers: MedGen C0011860, MeSH D003924, MONDO:0005148, OMIM 125853, HP:0005978.
Wolfram syndrome 1 (WFS1). Identifiers: Orphanet 3463, MedGen C4551693, MONDO:0009101, OMIM 222300.

Submissions (2):

GeneDx
Classification: Uncertain significance. Last evaluated: 2026-04-23. Review status: criteria provided, single submitter. Criteria: GeneDx Variant Classification Process June 2021. Collection method: clinical testing. Allele origin: germline.
Comment: Not observed at significant frequency in large population cohorts (gnomAD); In silico analysis suggests that this missense variant does not alter protein structure/function; Has not been previously published as pathogenic or benign to our knowledge

Fulgent Genetics
Classification: Uncertain significance for Cataract 41; Type 2 diabetes mellitus; Wolfram syndrome 1; Autosomal dominant nonsyndromic hearing loss 6; Wolfram-like syndrome. Last evaluated: 2024-06-13. Review status: criteria provided, single submitter. Criteria: ACMG Guidelines, 2015. Collection method: clinical testing. Allele origin: germline.